The following is an entry in ClinVar:

NM_000051.4(ATM):c.718C>T (p.Leu240Phe)

Gene: ATM (ATM serine/threonine kinase; plus strand). Cytogenetic location: 11q22.3.
Variant type: single nucleotide variant.
Coding change: c.718C>T on transcript NM_000051.4 (MANE Select); coding-DNA position 718, C replaced by T.
Protein change: p.Leu240Phe; replaces leucine 240 with phenylalanine.
Molecular consequence: missense variant.
Genome position (GRCh38, 1-based): chr11:108,244,843, C>T. VCF-style: chr11-108244843-C-T. GRCh37 (hg19) VCF-style: chr11-108115570-C-T.
Other names: c.718C>T, p.Leu240Phe (NM_001351834.2); short protein forms L240F.
Identifiers: ClinVar variation 453663 (VCV000453663.18), dbSNP rs1210038351, ClinGen allele CA382529197.
Genomic context (GRCh38, chr11:108,244,843, plus strand): 5'-CACAGACAAGAAAAGAGCTCTTCAGGTCTAAATCATATCTTAGCAGCTCTTACTATCTTC[C>T]TCAAGACTTTGGCTGTCAACTTTCGAATTCGAGTGTGTGAATTAGGAGATGAAATTCTTC-3'
Protein context (NP_000042.3, residues 230-250): NHILAALTIF[Leu240Phe]KTLAVNFRIR

ClinVar aggregate classification (germline): Uncertain significance. Review status: criteria provided, multiple submitters, no conflicts (2 of 4 stars). 4 submissions from 4 submitters: Uncertain significance (4). Last evaluated 2024-12-18.

Conditions:
Hereditary cancer-predisposing syndrome. Also called: Tumor predisposition; Hereditary Cancer Syndrome; Neoplastic Syndromes, Hereditary; Hereditary neoplastic syndrome. Identifiers: Orphanet 140162, MedGen C0027672, MeSH D009386, MONDO:0015356.
Ataxia-telangiectasia syndrome (AT). Also called: Cerebello-oculocutaneous telangiectasia; Immunodeficiency with ataxia telangiectasia; Ataxia-telangiectasia, complementation group D; AT, COMPLEMENTATION GROUP C; Ataxia-telangiectasia, complementation group E; LOUIS-BAR SYNDROME. Identifiers: Orphanet 100, MedGen C0004135, MONDO:0008840, OMIM 208900.

Allele frequency attached by ClinVar (database versions not stated): gnomAD exomes below 0.00001; gnomAD 0.00001.
gnomAD v4.1: 4 of 1,613,748 alleles (0.00025%); highest among the groups gnomAD compares: Admixed American, 0.0033%; no homozygotes.

Submissions (4):

Labcorp Genetics (formerly Invitae), Labcorp
Classification: Uncertain significance for Ataxia-telangiectasia syndrome. Last evaluated: 2024-12-18. Review status: criteria provided, single submitter. Criteria: Invitae Variant Classification Sherloc (09022015). Collection method: clinical testing. Allele origin: germline.
Comment: This sequence change replaces leucine, which is neutral and non-polar, with phenylalanine, which is neutral and non-polar, at codon 240 of the ATM protein (p.Leu240Phe). This variant is present in population databases (no rsID available, gnomAD 0.003%). This variant has not been reported in the literature in individuals affected with ATM-related conditions. ClinVar contains an entry for this variant (Variation ID: 453663). Invitae Evidence Modeling of protein sequence and biophysical properties (such as structural, functional, and spatial information, amino acid conservation, physicochemical variation, residue mobility, and thermodynamic stability) indicates that this missense variant is not expected to disrupt ATM protein function with a negative predictive value of 95%. In summary, the available evidence is currently insufficient to determine the role of this variant in disease. Therefore, it has been classified as a Variant of Uncertain Significance.

Ambry Genetics
Classification: Uncertain significance for Hereditary cancer-predisposing syndrome. Last evaluated: 2022-07-11. Review status: criteria provided, single submitter. Criteria: Ambry Variant Classification Scheme 2023. Collection method: clinical testing. Allele origin: germline.
Comment: The p.L240F variant (also known as c.718C>T), located in coding exon 6 of the ATM gene, results from a C to T substitution at nucleotide position 718. The leucine at codon 240 is replaced by phenylalanine, an amino acid with highly similar properties. This amino acid position is well conserved in available vertebrate species. In addition, this alteration is predicted to be tolerated by in silico analysis. Since supporting evidence is limited at this time, the clinical significance of this alteration remains unclear.

Color Diagnostics, LLC DBA Color Health
Classification: Uncertain significance for Hereditary cancer-predisposing syndrome. Last evaluated: 2022-03-07. Review status: criteria provided, single submitter. Criteria: ACMG Guidelines, 2015. Collection method: clinical testing. Allele origin: germline.
Comment: This missense variant replaces leucine with phenylalanine at codon 240 of the ATM protein. Computational prediction suggests that this variant may not impact protein structure and function (internally defined REVEL score threshold <= 0.5, PMID: 27666373). To our knowledge, functional studies have not been reported for this variant. This variant has not been reported in individuals affected with hereditary cancer in the literature. This variant has been identified in 1/251050 chromosomes in the general population by the Genome Aggregation Database (gnomAD). The available evidence is insufficient to determine the role of this variant in disease conclusively. Therefore, this variant is classified as a Variant of Uncertain Significance.

Mendelics
Classification: Uncertain significance for Ataxia-telangiectasia syndrome. Last evaluated: 2019-05-28. Review status: criteria provided, single submitter. Criteria: Mendelics Assertion Criteria 2017. Collection method: clinical testing. Allele origin: unknown.